The following is an entry in ClinVar:

ClinVar aggregate classification (germline): Conflicting classifications of pathogenicity. Review status: criteria provided, conflicting classifications (1 of 4 stars). 2 submissions from 2 submitters: Likely pathogenic (1); Uncertain significance (1). Last evaluated 2025-05-27.

Allele frequency attached by ClinVar (database versions not stated): gnomAD exomes below 0.00001; TOPMed below 0.00001; ExAC 0.00001.
gnomAD v4.1: 5 of 1,613,738 alleles (0.00031%); highest among the groups gnomAD compares: Non-Finnish European, 0.00042%; no homozygotes.

Submissions (2):

Mayo Clinic Laboratories, Mayo Clinic
Classification: Uncertain significance. Last evaluated: 2025-05-27. Review status: criteria provided, single submitter. Criteria: ACMG Guidelines, 2015. Collection method: clinical testing. Allele origin: germline. Observed: 1 variant allele.
Comment: PP3_moderate

GeneDx
Classification: Likely pathogenic. Last evaluated: 2025-04-09. Review status: criteria provided, single submitter. Criteria: GeneDx Variant Classification Process June 2021. Collection method: clinical testing. Allele origin: germline.
Comment: In silico analysis supports that this missense variant has a deleterious effect on protein structure/function; Not observed at significant frequency in large population cohorts (gnomAD); Has not been previously published as pathogenic or benign to our knowledge

NM_000405.5(GM2A):c.296G>A (p.Cys99Tyr)

Gene: GM2A (ganglioside GM2 activator; plus strand). Cytogenetic location: 5q33.1.
Variant type: single nucleotide variant.
Coding change: c.296G>A on transcript NM_000405.5 (MANE Select); coding-DNA position 296, G replaced by A.
Protein change: p.Cys99Tyr; replaces cysteine 99 with tyrosine.
Molecular consequence: missense variant.
Genome position (GRCh38, 1-based): chr5:151,266,783, G>A. VCF-style: chr5-151266783-G-A. GRCh37 (hg19) VCF-style: chr5-150646344-G-A.
Other names: p.Cys99Tyr; c.296G>A, p.Cys99Tyr (NM_001167607.3); short protein forms C99Y.
Identifiers: ClinVar variation 1686742 (VCV001686742.4), dbSNP rs751417546, ClinGen allele CA3517925.